The following is an entry in ClinVar:

NM_001365999.1(SZT2):c.1811G>A (p.Arg604His)

Gene: SZT2 (SZT2 subunit of KICSTOR complex; plus strand). Cytogenetic location: 1p34.2.
Variant type: single nucleotide variant.
Coding change: c.1811G>A on transcript NM_001365999.1 (MANE Select); coding-DNA position 1811, G replaced by A.
Protein change: p.Arg604His; replaces arginine 604 with histidine.
Molecular consequence: missense variant.
Genome position (GRCh38, 1-based): chr1:43,422,521, G>A. VCF-style: chr1-43422521-G-A. GRCh37 (hg19) VCF-style: chr1-43888192-G-A.
Other names: c.1811G>A, p.Arg604His (NM_015284.4); short protein forms R604H.
Identifiers: ClinVar variation 1024757 (VCV001024757.8), dbSNP rs1652493942, ClinGen allele CA340010059.

ClinVar aggregate classification (germline): Uncertain significance (1 of 4 stars; one submission).

Allele frequency attached by ClinVar (database versions not stated): gnomAD exomes below 0.00001; TOPMed below 0.00001.
gnomAD v4.1: 1 of 1,597,226 alleles (0.000063%); highest among the groups gnomAD compares: Non-Finnish European, 0.000085%; no homozygotes.

Submission:

Labcorp Genetics (formerly Invitae), Labcorp
Classification: Uncertain significance. Last evaluated: 2022-07-12. Review status: criteria provided, single submitter. Criteria: Invitae Variant Classification Sherloc (09022015). Collection method: clinical testing. Allele origin: germline.
Comment: In summary, the available evidence is currently insufficient to determine the role of this variant in disease. Therefore, it has been classified as a Variant of Uncertain Significance. Algorithms developed to predict the effect of missense changes on protein structure and function are either unavailable or do not agree on the potential impact of this missense change (SIFT: "Deleterious"; PolyPhen-2: "Probably Damaging"; Align-GVGD: "Class C0"). ClinVar contains an entry for this variant (Variation ID: 1024757). This variant has not been reported in the literature in individuals affected with SZT2-related conditions. This variant is not present in population databases (gnomAD no frequency). This sequence change replaces arginine, which is basic and polar, with histidine, which is basic and polar, at codon 604 of the SZT2 protein (p.Arg604His).